The following is an entry in ClinVar:

NM_001267550.2(TTN):c.12208G>T (p.Glu4070Ter)

Gene: TTN (titin; minus strand). Cytogenetic location: 2q31.2.
Variant type: single nucleotide variant.
Coding change: c.12208G>T on transcript NM_001267550.2 (MANE Select); coding-DNA position 12208, G replaced by T.
Protein change: p.Glu4070Ter; replaces glutamic acid 4070 with a stop codon.
Molecular consequence: nonsense. On other transcripts: intron variant (1).
Genome position (GRCh38, 1-based): chr2:178,741,025, C>A on the plus strand (G>T on the coding strand, the complement: TTN is on the minus strand). VCF-style: chr2-178741025-C-A. GRCh37 (hg19) VCF-style: chr2-179605752-C-A.
Other names: c.11494G>T, p.Glu3832Ter (NM_133432.3); c.11257G>T, p.Glu3753Ter (NM_001256850.1); c.11119G>T, p.Glu3707Ter (NM_003319.4); c.11695G>T, p.Glu3899Ter (NM_133437.4); c.10361-2665G>T (NM_133378.4); short protein forms E4070*, E3832*, E3707*, E3899*, E3753*.
Identifiers: ClinVar variation 47820 (VCV000047820.8), dbSNP rs397517830, ClinGen allele CA261922.

ClinVar aggregate classification (germline): Pathogenic/Likely pathogenic. Review status: criteria provided, multiple submitters, no conflicts (2 of 4 stars). 3 submissions from 3 submitters: Pathogenic (1); Likely pathogenic (2). Last evaluated 2025-12-08.

Conditions:
Dilated cardiomyopathy 1G (CMD1G). Identifiers: Orphanet 154, MedGen C1858763, MONDO:0011400, OMIM 604145.
Autosomal recessive limb-girdle muscular dystrophy type 2J (LGMDR10). Also called: Limb-girdle muscular dystrophy, type 2J; MUSCULAR DYSTROPHY, LIMB-GIRDLE, AUTOSOMAL RECESSIVE 10. Identifiers: Orphanet 140922, MedGen C1837342, MONDO:0012127, OMIM 608807.
Primary dilated cardiomyopathy (DCM). Also called: Dilated Cardiomyopathy. Identifiers: Orphanet 217604, MedGen C0007193, MeSH D002311, MONDO:0005021, HP:0001644. Inheritance: Various modes of inheritance.

gnomAD v4.1: 3 of 1,613,896 alleles (0.00019%); highest among the groups gnomAD compares: Non-Finnish European, 0.00025%; no homozygotes.

Submissions (3):

Labcorp Genetics (formerly Invitae), Labcorp
Classification: Pathogenic for Dilated cardiomyopathy 1G; Autosomal recessive limb-girdle muscular dystrophy type 2J. Last evaluated: 2025-12-08. Review status: criteria provided, single submitter. Criteria: Invitae Variant Classification Sherloc (09022015). Collection method: clinical testing. Allele origin: germline.
Comment: This sequence change creates a premature translational stop signal (p.Glu4070*) in the TTN gene. While this is not anticipated to result in nonsense mediated decay, it is expected to create a truncated TTN protein. This variant is not present in population databases (gnomAD no frequency). This premature translational stop signal has been observed in individuals with autosomal dominant dilated cardiomyopathy (PMID: 25179549; internal data). This variant is also known as E3707*. ClinVar contains an entry for this variant (Variation ID: 47820). This variant is located in the I band of TTN (PMID: 25589632). Truncating variants in this region have been reported in individuals affected with autosomal recessive centronuclear myopathy (PMID: 23975875, internal data). Truncating variants in this region have also been identified in individuals affected with autosomal dominant dilated cardiomyopathy and/or cardio-related conditions (PMID: 27869827, 32964742, internal data). For these reasons, this variant has been classified as Pathogenic.

AiLife Diagnostics
Classification: Likely pathogenic. Last evaluated: 2021-10-12. Review status: criteria provided, single submitter. Criteria: ACMG Guidelines, 2015. Collection method: clinical testing. Allele origin: germline. Affected: yes. Observed: 1 variant allele.

Laboratory for Molecular Medicine, Mass General Brigham Personalized Medicine
Classification: Likely pathogenic for Primary dilated cardiomyopathy. Last evaluated: 2014-09-24. Review status: criteria provided, single submitter. Criteria: LMM Criteria. Collection method: clinical testing. Allele origin: germline. Inheritance: Autosomal dominant inheritance. Observed: 7 variant alleles.
Comment: It was absent from large population studies. This nonsense variant leads to a premature termination codon at position 3832, w hich is predicted to lead to a truncated or absent protein. Heterozygous loss-o f-function of the TTN gene is an established disease mechanism in individuals wi th DCM; however, the majority of truncating variants in TTN associated with DCM occur in the A-band (Herman 2012, Pugh 2014), while this variant occurs in the I -band. In summary, although additional studies are required to fully establish i ts clinical significance, the Glu3832X variant is likely pathogenic.

Literature cited by the submitters: PubMed 25179549 (cited by Labcorp Genetics (formerly Invitae), Labcorp and AiLife Diagnostics); PubMed 25589632 (cited by Labcorp Genetics (formerly Invitae), Labcorp); PubMed 23975875 (cited by Labcorp Genetics (formerly Invitae), Labcorp); PubMed 27869827 (cited by Labcorp Genetics (formerly Invitae), Labcorp); PubMed 32964742 (cited by Labcorp Genetics (formerly Invitae), Labcorp).